The following is an entry in ClinVar:

ClinVar aggregate classification (germline): Uncertain significance (1 of 4 stars; one submission).

Conditions:
Hereditary spastic paraplegia 54. Also called: Spastic paraplegia 54, autosomal recessive. Identifiers: Orphanet 320380, MedGen C3539495, MONDO:0014018, OMIM 615033.

Submission:

Labcorp Genetics (formerly Invitae), Labcorp
Classification: Uncertain significance for Hereditary spastic paraplegia 54. Last evaluated: 2022-04-21. Review status: criteria provided, single submitter. Criteria: Invitae Variant Classification Sherloc (09022015). Collection method: clinical testing. Allele origin: germline.
Comment: Algorithms developed to predict the effect of missense changes on protein structure and function (SIFT, PolyPhen-2, Align-GVGD) all suggest that this variant is likely to be tolerated. In summary, the available evidence is currently insufficient to determine the role of this variant in disease. Therefore, it has been classified as a Variant of Uncertain Significance. This sequence change replaces valine, which is neutral and non-polar, with alanine, which is neutral and non-polar, at codon 691 of the DDHD2 protein (p.Val691Ala). This variant is not present in population databases (gnomAD no frequency). This variant has not been reported in the literature in individuals affected with DDHD2-related conditions.

NM_015214.3(DDHD2):c.2072T>C (p.Val691Ala)

Gene: DDHD2 (DDHD domain containing 2; plus strand). Cytogenetic location: 8p11.23.
Variant type: single nucleotide variant.
Coding change: c.2072T>C on transcript NM_015214.3 (MANE Select); coding-DNA position 2072, T replaced by C.
Protein change: p.Val691Ala; replaces valine 691 with alanine.
Molecular consequence: missense variant. On other transcripts: non-coding transcript variant (2).
Genome position (GRCh38, 1-based): chr8:38,260,057, T>C. VCF-style: chr8-38260057-T-C. GRCh37 (hg19) VCF-style: chr8-38117575-T-C.
Other names: c.2072T>C, p.Val691Ala (NM_001164232.2, NM_001362911.2, NM_001362912.2 and 1 more transcripts); c.1982T>C, p.Val661Ala (NM_001362913.2); short protein forms V661A, V691A.
Identifiers: ClinVar variation 2045634 (VCV002045634.4), dbSNP rs2487070174, ClinGen allele CA370700517.
Genomic context (GRCh38, chr8:38,260,057, plus strand): 5'-AAGTGTTAGTTCCTTTTCTCAACATAATTTTTTCTCTTTATAGGGAGTCTGAAGATACAG[T>C]ATTGCTCGTCCTCAAAGAGATCTACCAAACCCAGGGTATCTTCCTTGATCAGCCTTTACA-3'
Protein context (NP_056029.2, residues 681-701): HLCYWESEDT[Val691Ala]LLVLKEIYQT